The following is an entry in ClinVar:

ClinVar aggregate classification (germline): Uncertain significance. Review status: criteria provided, multiple submitters, no conflicts (2 of 4 stars). 3 submissions from 3 submitters: Uncertain significance (3). Last evaluated 2025-02-05.

Conditions:
Intellectual developmental disorder, autosomal recessive 61. Also called: ALWADEI SYNDROME; Intellectual disability, autosomal recessive 61; MENTAL RETARDATION, AUTOSOMAL RECESSIVE 61. Identifiers: MedGen C4540424, MONDO:0030915, OMIM 617773.

Allele frequency attached by ClinVar (database versions not stated): gnomAD exomes 0.00002 and 0.00001; ExAC 0.00002; gnomAD 0.00004 and 0.00005; TOPMed 0.00011.
gnomAD v4.1: 32 of 1,605,076 alleles (0.002%); highest among the groups gnomAD compares: Admixed American, 0.012%; no homozygotes.

Submissions (3):

Ambry Genetics
Classification: Uncertain significance. Last evaluated: 2025-02-05. Review status: criteria provided, single submitter. Criteria: Ambry Variant Classification Scheme 2023. Collection method: clinical testing. Allele origin: germline.

Labcorp Genetics (formerly Invitae), Labcorp
Classification: Uncertain significance. Last evaluated: 2022-07-19. Review status: criteria provided, single submitter. Criteria: Invitae Variant Classification Sherloc (09022015). Collection method: clinical testing. Allele origin: germline.
Comment: This sequence change replaces arginine, which is basic and polar, with glutamine, which is neutral and polar, at codon 1186 of the RUSC2 protein (p.Arg1186Gln). This variant is present in population databases (rs746338510, gnomAD 0.01%). This variant has not been reported in the literature in individuals affected with RUSC2-related conditions. ClinVar contains an entry for this variant (Variation ID: 1031869). Algorithms developed to predict the effect of missense changes on protein structure and function output the following: SIFT: "Tolerated"; PolyPhen-2: "Benign"; Align-GVGD: "Class C0". The glutamine amino acid residue is found in multiple mammalian species, which suggests that this missense change does not adversely affect protein function. In summary, the available evidence is currently insufficient to determine the role of this variant in disease. Therefore, it has been classified as a Variant of Uncertain Significance.

Baylor Genetics
Classification: Uncertain significance for Intellectual developmental disorder, autosomal recessive 61. Last evaluated: 2018-07-19. Review status: criteria provided, single submitter. Criteria: ACMG Guidelines, 2015. Collection method: clinical testing. Allele origin: unknown. Affected: yes.
Comment: This variant was determined to be of uncertain significance according to ACMG Guidelines, 2015 [PMID:25741868].

NM_014806.5(RUSC2):c.3557G>A (p.Arg1186Gln)

Gene: RUSC2 (RUN and SH3 domain containing 2; plus strand). Cytogenetic location: 9p13.3.
Variant type: single nucleotide variant.
Coding change: c.3557G>A on transcript NM_014806.5 (MANE Select); coding-DNA position 3557, G replaced by A.
Protein change: p.Arg1186Gln; replaces arginine 1186 with glutamine.
Molecular consequence: missense variant. On other transcripts: non-coding transcript variant (1).
Genome position (GRCh38, 1-based): chr9:35,560,197, G>A. VCF-style: chr9-35560197-G-A. GRCh37 (hg19) VCF-style: chr9-35560194-G-A.
Other names: c.3557G>A, p.Arg1186Gln (NM_001135999.2); c.923G>A, p.Arg308Gln (NM_001330740.2); short protein forms R308Q, R1186Q.
Identifiers: ClinVar variation 1031869 (VCV001031869.5), dbSNP rs746338510, ClinGen allele CA5044186.